The following is an entry in ClinVar:

NM_001099409.3(EHBP1L1):c.249C>G (p.Thr83=)

Gene: EHBP1L1 (EH domain binding protein 1 like 1; plus strand). Cytogenetic location: 11q13.1.
Variant type: single nucleotide variant.
Coding change: c.249C>G on transcript NM_001099409.3 (MANE Select); coding-DNA position 249, C replaced by G.
Protein change: p.Thr83=; no amino-acid change (threonine 83 retained).
Molecular consequence: synonymous variant.
Genome position (GRCh38, 1-based): chr11:65,579,427, C>G. VCF-style: chr11-65579427-C-G. GRCh37 (hg19) VCF-style: chr11-65346898-C-G.
Other names: c.249C>G, p.Thr83= (NM_001351087.2).
Identifiers: ClinVar variation 2641961 (VCV002641961.24), dbSNP rs369857321, ClinGen allele CA6101697.
Genomic context (GRCh38, chr11:65,579,427, plus strand): 5'-GAACCCATACCGGGGCACCGTGGTGTGGATGGTACCTGAGAATGTGGACATCTCTGTGAC[C>G]CTCTACAGGGTGAGTCTCTAGCCCTCCAGCATGGATGGCAATTGCAACACAGGCAGTTGC-3'
Protein context (NP_001092879.1, residues 73-93): MVPENVDISV[Thr83=]LYRDPHVDQY

ClinVar aggregate classification (germline): Likely benign (1 of 4 stars; one submission).

Allele frequency attached by ClinVar (database versions not stated): 1000 Genomes Project 30x 0.00016; 1000 Genomes Project 0.00020; ESP Exome Variant Server 0.00032; gnomAD 0.00043; TOPMed 0.00064; gnomAD exomes 0.00067; ExAC 0.00094.
gnomAD v4.1: 990 of 1,543,936 alleles (0.064%); highest among the groups gnomAD compares: Middle Eastern, 0.29%; 2 homozygotes.

Submission:

CeGaT Center for Human Genetics Tuebingen
Classification: Likely benign. Last evaluated: 2023-01-01. Review status: criteria provided, single submitter. Criteria: CeGaT Center For Human Genetics Tuebingen Variant Classification Criteria Version 2. Collection method: clinical testing. Allele origin: germline. Affected: yes. Observed: 1 variant allele.
Comment: EHBP1L1: BP4, BP7